The following is an entry in ClinVar:

ClinVar aggregate classification (germline): Uncertain significance (1 of 4 stars; one submission).

Conditions:
Cardiovascular phenotype. Identifiers: MedGen CN230736.
Hereditary cancer-predisposing syndrome. Also called: Tumor predisposition; Neoplastic Syndromes, Hereditary; Hereditary Cancer Syndrome; Hereditary neoplastic syndrome. Identifiers: Orphanet 140162, MedGen C0027672, MeSH D009386, MONDO:0015356.

Submission:

Ambry Genetics
Classification: Uncertain significance for Cardiovascular phenotype; Hereditary cancer-predisposing syndrome. Last evaluated: 2025-01-13. Review status: criteria provided, single submitter. Criteria: Ambry Variant Classification Scheme 2023. Collection method: clinical testing. Allele origin: germline.
Comment: The p.V332D variant (also known as c.995T>A), located in coding exon 10 of the LZTR1 gene, results from a T to A substitution at nucleotide position 995. The valine at codon 332 is replaced by aspartic acid, an amino acid with highly dissimilar properties. This amino acid position is conserved. In addition, this alteration is predicted to be tolerated by in silico analysis. Based on the available evidence, the clinical significance of this variant remains unclear.

NM_006767.4(LZTR1):c.995T>A (p.Val332Asp)

Gene: LZTR1 (leucine zipper like post translational regulator 1; plus strand). Cytogenetic location: 22q11.21.
Variant type: single nucleotide variant.
Coding change: c.995T>A on transcript NM_006767.4 (MANE Select); coding-DNA position 995, T replaced by A.
Protein change: p.Val332Asp; replaces valine 332 with aspartic acid.
Molecular consequence: missense variant.
Genome position (GRCh38, 1-based): chr22:20,992,215, T>A. VCF-style: chr22-20992215-T-A. GRCh37 (hg19) VCF-style: chr22-21346504-T-A.
Other names: short protein forms V332D.
Identifiers: ClinVar variation 3869294 (VCV003869294.1).